The following is an entry in ClinVar:

NM_005236.3(ERCC4):c.1691A>G (p.Tyr564Cys)

Gene: ERCC4 (ERCC excision repair 4, endonuclease catalytic subunit; plus strand). Cytogenetic location: 16p13.12.
Variant type: single nucleotide variant.
Coding change: c.1691A>G on transcript NM_005236.3 (MANE Select); coding-DNA position 1691, A replaced by G.
Protein change: p.Tyr564Cys; replaces tyrosine 564 with cysteine.
Molecular consequence: missense variant.
Genome position (GRCh38, 1-based): chr16:13,935,623, A>G. VCF-style: chr16-13935623-A-G. GRCh37 (hg19) VCF-style: chr16-14029480-A-G.
Other names: short protein forms Y564C.
Identifiers: ClinVar variation 841845 (VCV000841845.2), dbSNP rs765254949, ClinGen allele CA7910517.

ClinVar aggregate classification (germline): Uncertain significance. Review status: criteria provided, multiple submitters, no conflicts (2 of 4 stars). 2 submissions from 2 submitters: Uncertain significance (2). Last evaluated 2024-01-03.

Conditions:
XFE progeroid syndrome (XFEPS). Also called: XPF-ERCC1 PROGEROID SYNDROME. Identifiers: MedGen C1970416, MONDO:0012590, OMIM 610965.
Xeroderma pigmentosum, group F (XPF). Also called: XERODERMA PIGMENTOSUM VI; XP, GROUP F; XERODERMA PIGMENTOSUM, COMPLEMENTATION GROUP F; XERODERMA PIGMENTOSUM, TYPE F; Xeroderma pigmentosum, type 6; ERCC4-Related Xeroderma Pigmentosum. Identifiers: MedGen C0268140, MONDO:0010215, OMIM 278760.
Fanconi anemia complementation group Q. Identifiers: Orphanet 84, MedGen C3808988, MONDO:0014108, OMIM 615272.
Cockayne syndrome. Identifiers: Orphanet 191, MedGen C0009207, MONDO:0016006.

gnomAD v4.1: 5 of 1,614,066 alleles (0.00031%); highest among the groups gnomAD compares: South Asian, 0.0022%; no homozygotes.

Submissions (2):

Fulgent Genetics
Classification: Uncertain significance for Xeroderma pigmentosum, group F; XFE progeroid syndrome; Fanconi anemia complementation group Q. Last evaluated: 2024-01-03. Review status: criteria provided, single submitter. Criteria: ACMG Guidelines, 2015. Collection method: clinical testing. Allele origin: germline.

Labcorp Genetics (formerly Invitae), Labcorp
Classification: Uncertain significance for Fanconi anemia, complementation group Q; Xeroderma pigmentosum, group F; Cockayne syndrome. Last evaluated: 2019-02-15. Review status: criteria provided, single submitter. Criteria: Invitae Variant Classification Sherloc (09022015). Collection method: clinical testing. Allele origin: germline.
Comment: This sequence change replaces tyrosine with cysteine at codon 564 of the ERCC4 protein (p.Tyr564Cys). The tyrosine residue is moderately conserved and there is a large physicochemical difference between tyrosine and cysteine. This variant is present in population databases (rs765254949, ExAC 0.006%). This variant has not been reported in the literature in individuals with ERCC4-related conditions. Algorithms developed to predict the effect of missense changes on protein structure and function are either unavailable or do not agree on the potential impact of this missense change (SIFT: "Deleterious"; PolyPhen-2: "Probably Damaging"; Align-GVGD: "Class C0"). In summary, the available evidence is currently insufficient to determine the role of this variant in disease. Therefore, it has been classified as a Variant of Uncertain Significance.